The following is an entry in ClinVar:

ClinVar aggregate classification (germline): Benign. Review status: criteria provided, multiple submitters, no conflicts (2 of 4 stars). 3 submissions from 3 submitters: Benign (2). 1 of the submissions does not count toward it. Last evaluated 2019-12-31.

Conditions:
MYRF-related disorder. Also called: MYRF-related condition; MYRF-related disorders.

Allele frequency attached by ClinVar (database versions not stated): gnomAD 0.00004 and 0.00113; ESP Exome Variant Server 0.00015; TOPMed 0.00027; 1000 Genomes Project 0.00719; 1000 Genomes Project 30x 0.00750.
gnomAD v4.1: 3,443 of 1,613,882 alleles (0.21%); highest among the groups gnomAD compares: South Asian, 3.5%; 90 homozygotes.

Submissions (3):

Labcorp Genetics (formerly Invitae), Labcorp
Classification: Benign. Last evaluated: 2019-12-31. Review status: criteria provided, single submitter. Criteria: Invitae Variant Classification Sherloc (09022015). Collection method: clinical testing. Allele origin: germline.

Breakthrough Genomics
Classification: Benign. Review status: criteria provided, single submitter. Criteria: ACMG Guidelines, 2015. Collection method: not provided. Allele origin: germline. Inheritance: Autosomal dominant inheritance. Affected: yes.

PreventionGenetics, part of Exact Sciences
Classification: Benign for MYRF-related condition. Last evaluated: 2019-02-22. Review status: no assertion criteria provided. Collection method: clinical testing. Allele origin: germline. Not counted in ClinVar's aggregate classification.
Comment: This variant is classified as benign based on ACMG/AMP sequence variant interpretation guidelines (Richards et al. 2015 PMID: 25741868, with internal and published modifications).

NM_001127392.3(MYRF):c.3207C>T (p.Pro1069=)

Gene: MYRF (myelin regulatory factor; plus strand). Cytogenetic location: 11q12.2.
Variant type: single nucleotide variant.
Coding change: c.3207C>T on transcript NM_001127392.3 (MANE Select); coding-DNA position 3207, C replaced by T.
Protein change: p.Pro1069=; no amino-acid change (proline 1069 retained).
Molecular consequence: synonymous variant.
Genome position (GRCh38, 1-based): chr11:61,784,292, C>T. VCF-style: chr11-61784292-C-T. GRCh37 (hg19) VCF-style: chr11-61551764-C-T.
Other names: c.3087C>T, p.Pro1029= (NM_013279.4).
Identifiers: ClinVar variation 722194 (VCV000722194.7), dbSNP rs370887875, ClinGen allele CA6038356.